The following is an entry in ClinVar:

NM_001081.4(CUBN):c.6847C>T (p.Arg2283Trp)

Gene: CUBN (cubilin; minus strand). Cytogenetic location: 10p13.
Variant type: single nucleotide variant.
Coding change: c.6847C>T on transcript NM_001081.4 (MANE Select); coding-DNA position 6847, C replaced by T.
Protein change: p.Arg2283Trp; replaces arginine 2283 with tryptophan.
Molecular consequence: missense variant.
Genome position (GRCh38, 1-based): chr10:16,918,775, G>A on the plus strand (C>T on the coding strand, the complement: CUBN is on the minus strand). VCF-style: chr10-16918775-G-A. GRCh37 (hg19) VCF-style: chr10-16960774-G-A.
Other names: short protein forms R2283W.
Identifiers: ClinVar variation 644562 (VCV000644562.14), dbSNP rs150117913, ClinGen allele CA5423537.

ClinVar aggregate classification (germline): Uncertain significance. Review status: criteria provided, multiple submitters, no conflicts (2 of 4 stars). 5 submissions from 5 submitters: Uncertain significance (4). 1 of the submissions does not count toward it. Last evaluated 2025-02-21.

Conditions:
CUBN-related disorder. Also called: CUBN-related condition.
Imerslund-Grasbeck syndrome type 1 (IGS1). Also called: Megaloblastic anemia 1, Finnish type; MEGALOBLASTIC ANEMIA, 1; Imerslund-Gräsbeck syndrome 1. Identifiers: MedGen C4016819, MONDO:0100156, OMIM 261100.
Proteinuria, chronic benign. Identifiers: MedGen C5394384, MONDO:0030042, OMIM 618884.
Imerslund-Grasbeck syndrome. Also called: Megaloblastic anemia due to inborn errors of metabolism; ENTEROCYTE COBALAMIN MALABSORPTION; ENTEROCYTE INTRINSIC FACTOR RECEPTOR, DEFECT OF; Imerslund-Gräsbeck syndrome; PERNICIOUS ANEMIA, JUVENILE, DUE TO SELECTIVE INTESTINAL MALABSORPTION OF VITAMIN B12, WITH PROTEINURIA. Identifiers: Orphanet 35858, MedGen C4551825, MONDO:0009853.

Allele frequency attached by ClinVar (database versions not stated): gnomAD 0.00001; ExAC 0.00003; 1000 Genomes Project 30x 0.00016; 1000 Genomes Project 0.00020; gnomAD exomes 0.00001 and 0.00003; TOPMed 0.00003; ESP Exome Variant Server 0.00008.

Submissions (5):

GeneDx
Classification: Uncertain significance. Last evaluated: 2025-02-21. Review status: criteria provided, single submitter. Criteria: GeneDx Variant Classification Process June 2021. Collection method: clinical testing. Allele origin: germline. Affected: yes.
Comment: In silico analysis supports that this missense variant has a deleterious effect on protein structure/function; Has not been previously published as pathogenic or benign to our knowledge

Fulgent Genetics
Classification: Uncertain significance for Imerslund-Grasbeck syndrome type 1; Proteinuria, chronic benign. Last evaluated: 2024-05-11. Review status: criteria provided, single submitter. Criteria: ACMG Guidelines, 2015. Collection method: clinical testing. Allele origin: germline.

Labcorp Genetics (formerly Invitae), Labcorp
Classification: Uncertain significance for Imerslund-Grasbeck syndrome. Last evaluated: 2018-12-03. Review status: criteria provided, single submitter. Criteria: Invitae Variant Classification Sherloc (09022015). Collection method: clinical testing. Allele origin: germline.
Comment: In summary, the available evidence is currently insufficient to determine the role of this variant in disease. Therefore, it has been classified as a Variant of Uncertain Significance. Algorithms developed to predict the effect of missense changes on protein structure and function are either unavailable or do not agree on the potential impact of this missense change (SIFT: "Deleterious"; PolyPhen-2: "Probably Damaging"; Align-GVGD: "Class C0"). This variant has not been reported in the literature in individuals with CUBN-related conditions. This variant is present in population databases (rs150117913, ExAC 0.02%). This sequence change replaces arginine with tryptophan at codon 2283 of the CUBN protein (p.Arg2283Trp). The arginine residue is highly conserved and there is a moderate physicochemical difference between arginine and tryptophan.

Breakthrough Genomics
Classification: Uncertain significance. Review status: criteria provided, single submitter. Criteria: ACMG Guidelines, 2015. Collection method: not provided. Allele origin: germline. Inheritance: Autosomal recessive inheritance. Affected: yes.

PreventionGenetics, part of Exact Sciences
Classification: Uncertain significance for CUBN-related condition. Last evaluated: 2024-02-07. Review status: no assertion criteria provided. Collection method: clinical testing. Allele origin: germline. Not counted in ClinVar's aggregate classification.
Comment: The CUBN c.6847C>T variant is predicted to result in the amino acid substitution p.Arg2283Trp. To our knowledge, this variant has not been reported in the literature. This variant is reported in 0.012% of alleles in individuals of African descent in gnomAD. At this time, the clinical significance of this variant is uncertain due to the absence of conclusive functional and genetic evidence.